The following is an entry in ClinVar:

ClinVar aggregate classification (germline): Uncertain significance. Review status: criteria provided, multiple submitters, no conflicts (2 of 4 stars). 2 submissions from 2 submitters: Uncertain significance (2). Last evaluated 2024-11-04.

Allele frequency attached by ClinVar (database versions not stated): TOPMed 0.00001; gnomAD 0.00002; gnomAD exomes 0.00002.
gnomAD v4.1: 19 of 1,597,182 alleles (0.0012%); highest among the groups gnomAD compares: Admixed American, 0.0017%; no homozygotes.

Submissions (2):

Women's Health and Genetics/Laboratory Corporation of America, LabCorp
Classification: Uncertain significance. Last evaluated: 2024-11-04. Review status: criteria provided, single submitter. Criteria: LabCorp Variant Classification Summary - May 2015. Collection method: clinical testing. Allele origin: germline.
Comment: Variant summary: SZT2 c.630+4T>C alters a non-conserved nucleotide located close to a canonical splice site and therefore could affect mRNA splicing, leading to a significantly altered protein sequence. Consensus agreement among computation tools predict no significant impact on normal splicing. However, these predictions have yet to be confirmed by functional studies. The variant allele was found at a frequency of 1.8e-05 in 228330 control chromosomes. The available data on variant occurrences in the general population are insufficient to allow any conclusion about variant significance. To our knowledge, no occurrence of c.630+4T>C in individuals affected with Early Infantile Epileptic Encephalopathy 18 and no experimental evidence demonstrating its impact on protein function have been reported. ClinVar contains an entry for this variant (Variation ID: 947755). Based on the evidence outlined above, the variant was classified as uncertain significance.

Labcorp Genetics (formerly Invitae), Labcorp
Classification: Uncertain significance. Last evaluated: 2024-10-30. Review status: criteria provided, single submitter. Criteria: Invitae Variant Classification Sherloc (09022015). Collection method: clinical testing. Allele origin: germline.
Comment: This sequence change falls in intron 5 of the SZT2 gene. It does not directly change the encoded amino acid sequence of the SZT2 protein. It affects a nucleotide within the consensus splice site. This variant is present in population databases (no rsID available, gnomAD 0.003%). This variant has not been reported in the literature in individuals affected with SZT2-related conditions. ClinVar contains an entry for this variant (Variation ID: 947755). Variants that disrupt the consensus splice site are a relatively common cause of aberrant splicing (PMID: 17576681, 9536098). Algorithms developed to predict the effect of sequence changes on RNA splicing suggest that this variant is not likely to affect RNA splicing. In summary, the available evidence is currently insufficient to determine the role of this variant in disease. Therefore, it has been classified as a Variant of Uncertain Significance.

Literature cited by the submitters: PubMed 17576681 (cited by Labcorp Genetics (formerly Invitae), Labcorp); PubMed 9536098 (cited by Labcorp Genetics (formerly Invitae), Labcorp).

NM_001365999.1(SZT2):c.630+4T>C

Gene: SZT2 (SZT2 subunit of KICSTOR complex; plus strand). Cytogenetic location: 1p34.2.
Variant type: single nucleotide variant.
Coding change: c.630+4T>C on transcript NM_001365999.1 (MANE Select); 4 bases into the intron after coding-DNA position 630, T replaced by C.
Molecular consequence: intron variant.
Genome position (GRCh38, 1-based): chr1:43,415,217, T>C. VCF-style: chr1-43415217-T-C. GRCh37 (hg19) VCF-style: chr1-43880888-T-C.
Other names: c.630+4T>C (NM_015284.4).
Identifiers: ClinVar variation 947755 (VCV000947755.10), dbSNP rs1461116323, ClinGen allele CA522505105.